The following is an entry in ClinVar:

NM_182961.4(SYNE1):c.9682C>T (p.Pro3228Ser)

Gene: SYNE1 (spectrin repeat containing nuclear envelope protein 1; minus strand). Cytogenetic location: 6q25.2.
Variant type: single nucleotide variant.
Coding change: c.9682C>T on transcript NM_182961.4 (MANE Select); coding-DNA position 9682, C replaced by T.
Protein change: p.Pro3228Ser; replaces proline 3228 with serine.
Molecular consequence: missense variant.
Genome position (GRCh38, 1-based): chr6:152,369,097, G>A on the plus strand (C>T on the coding strand, the complement: SYNE1 is on the minus strand). VCF-style: chr6-152369097-G-A. GRCh37 (hg19) VCF-style: chr6-152690232-G-A.
Other names: c.9703C>T (NM_033071.3); c.9703C>T, p.Pro3235Ser (NM_033071.5); short protein forms P3228S, P3235S.
Identifiers: ClinVar variation 596257 (VCV000596257.14), dbSNP rs1563432555, ClinGen allele CA366137751.

ClinVar aggregate classification (germline): Uncertain significance. Review status: criteria provided, multiple submitters, no conflicts (2 of 4 stars). 4 submissions from 4 submitters: Uncertain significance (4). Last evaluated 2023-09-28.

Conditions:
Autosomal recessive ataxia, Beauce type. Also called: Spinocerebellar ataxia, autosomal recessive 8; ATAXIA, RECESSIVE, OF BEAUCE; SYNE1 Deficiency; SYNE1-Related Autosomal Recessive Cerebellar Ataxia. Identifiers: Orphanet 88644, MedGen C1853116, MONDO:0012549, OMIM 610743.
Emery-Dreifuss muscular dystrophy 4, autosomal dominant (EDMD4). Also called: EMERY-DREIFUSS MUSCULAR DYSTROPHY 4 WITH VARIABLE FEATURES. Identifiers: Orphanet 261, MedGen C2751807, MONDO:0013071, OMIM 612998.

Allele frequency attached by ClinVar (database versions not stated): TOPMed below 0.00001.

Submissions (4):

Revvity Omics, Revvity
Classification: Uncertain significance. Last evaluated: 2023-09-28. Review status: criteria provided, single submitter. Criteria: ACMG Guidelines, 2015. Collection method: clinical testing. Allele origin: germline.

Labcorp Genetics (formerly Invitae), Labcorp
Classification: Uncertain significance for Emery-Dreifuss muscular dystrophy 4, autosomal dominant; Autosomal recessive ataxia, Beauce type. Last evaluated: 2022-03-26. Review status: criteria provided, single submitter. Criteria: Invitae Variant Classification Sherloc (09022015). Collection method: clinical testing. Allele origin: germline.
Comment: In summary, the available evidence is currently insufficient to determine the role of this variant in disease. Therefore, it has been classified as a Variant of Uncertain Significance. Algorithms developed to predict the effect of missense changes on protein structure and function (SIFT, PolyPhen-2, Align-GVGD) all suggest that this variant is likely to be tolerated. ClinVar contains an entry for this variant (Variation ID: 596257). This variant has not been reported in the literature in individuals affected with SYNE1-related conditions. This variant is not present in population databases (gnomAD no frequency). This sequence change replaces proline, which is neutral and non-polar, with serine, which is neutral and polar, at codon 3235 of the SYNE1 protein (p.Pro3235Ser).

Eurofins Ntd Llc (ga)
Classification: Uncertain significance. Last evaluated: 2018-03-01. Review status: criteria provided, single submitter. Criteria: EGL ClinVar v180209 classification definitions. Collection method: clinical testing. Allele origin: germline. Observed: 1 variant allele, 1 heterozygote.

Breakthrough Genomics
Classification: Uncertain significance. Review status: criteria provided, single submitter. Criteria: ACMG Guidelines, 2015. Collection method: not provided. Allele origin: germline. Inheritance: Autosomal recessive inheritance. Affected: yes.